The following is an entry in ClinVar:

NM_006393.3(NEBL):c.1429G>A (p.Ala477Thr)

Gene: NEBL (nebulette; minus strand). Cytogenetic location: 10p12.31.
Variant type: single nucleotide variant.
Coding change: c.1429G>A on transcript NM_006393.3 (MANE Select); coding-DNA position 1429, G replaced by A.
Protein change: p.Ala477Thr; replaces alanine 477 with threonine.
Molecular consequence: missense variant. On other transcripts: intron variant (9).
Genome position (GRCh38, 1-based): chr10:20,835,533, C>T on the plus strand (G>A on the coding strand, the complement: NEBL is on the minus strand). VCF-style: chr10-20835533-C-T. GRCh37 (hg19) VCF-style: chr10-21124462-C-T.
Other names: c.250-22593G>A (NM_001377326.1, NM_001377327.1, NM_001377328.1); c.358-22593G>A (NM_213569.2, NM_001173484.2, NM_001377322.1); c.301-22593G>A (NM_001377324.1); c.292-22593G>A (NM_001377325.1); c.310-22593G>A (NM_001377323.1); short protein forms A477T.
Identifiers: ClinVar variation 2195950 (VCV002195950.4), dbSNP rs758358892, ClinGen allele CA5432877.

ClinVar aggregate classification (germline): Uncertain significance (1 of 4 stars; one submission).

Conditions:
Primary dilated cardiomyopathy (DCM). Also called: Dilated Cardiomyopathy. Identifiers: Orphanet 217604, MedGen C0007193, MeSH D002311, MONDO:0005021, HP:0001644. Inheritance: Various modes of inheritance.

Submission:

Labcorp Genetics (formerly Invitae), Labcorp
Classification: Uncertain significance for Primary dilated cardiomyopathy. Last evaluated: 2025-04-14. Review status: criteria provided, single submitter. Criteria: Invitae Variant Classification Sherloc (09022015). Collection method: clinical testing. Allele origin: germline.
Comment: This sequence change replaces alanine, which is neutral and non-polar, with threonine, which is neutral and polar, at codon 477 of the NEBL protein (p.Ala477Thr). This variant is present in population databases (rs758358892, gnomAD 0.02%). This variant has not been reported in the literature in individuals affected with NEBL-related conditions. ClinVar contains an entry for this variant (Variation ID: 2195950). An algorithm developed to predict the effect of missense changes on protein structure and function (PolyPhen-2) suggests that this variant is likely to be disruptive. In summary, the available evidence is currently insufficient to determine the role of this variant in disease. Therefore, it has been classified as a Variant of Uncertain Significance.